The following is an entry in ClinVar:

ClinVar aggregate classification (germline): Likely benign (1 of 4 stars; one submission).

gnomAD v4.1: 109 of 1,614,000 alleles (0.0068%); highest among the groups gnomAD compares: Non-Finnish European, 0.0086%; no homozygotes.

Submission:

CeGaT Center for Human Genetics Tuebingen
Classification: Likely benign. Last evaluated: 2024-10-01. Review status: criteria provided, single submitter. Criteria: CeGaT Center For Human Genetics Tuebingen Variant Classification Criteria Version 2. Collection method: clinical testing. Allele origin: germline. Affected: yes. Observed: 1 variant allele.
Comment: CDON: BP4, BP7

NM_001378964.1(CDON):c.1425C>T (p.Phe475=)

Gene: CDON (cell adhesion associated, oncogene regulated; minus strand). Cytogenetic location: 11q24.2.
Variant type: single nucleotide variant.
Coding change: c.1425C>T on transcript NM_001378964.1 (MANE Select); coding-DNA position 1425, C replaced by T.
Protein change: p.Phe475=; no amino-acid change (phenylalanine 475 retained).
Molecular consequence: synonymous variant.
Genome position (GRCh38, 1-based): chr11:126,010,468, G>A on the plus strand (C>T on the coding strand, the complement: CDON is on the minus strand). VCF-style: chr11-126010468-G-A. GRCh37 (hg19) VCF-style: chr11-125880363-G-A.
Other names: c.1425C>T, p.Phe475= (NM_001243597.3, NM_016952.6).
Identifiers: ClinVar variation 3388944 (VCV003388944.14).